The following is an entry in ClinVar:

NM_000944.5(PPP3CA):c.480C>A (p.Phe160Leu)

Gene: PPP3CA (protein phosphatase 3 catalytic subunit alpha; minus strand). Cytogenetic location: 4q24.
Variant type: single nucleotide variant.
Coding change: c.480C>A on transcript NM_000944.5 (MANE Select); coding-DNA position 480, C replaced by A.
Protein change: p.Phe160Leu; replaces phenylalanine 160 with leucine.
Molecular consequence: missense variant.
Genome position (GRCh38, 1-based): chr4:101,099,627, G>T on the plus strand (C>A on the coding strand, the complement: PPP3CA is on the minus strand). VCF-style: chr4-101099627-G-T. GRCh37 (hg19) VCF-style: chr4-102020784-G-T.
Other names: c.480C>A, p.Phe160Leu (NM_001130691.2, NM_001130692.2); short protein forms F160L.
Identifiers: ClinVar variation 3340564 (VCV003340564.1).

ClinVar aggregate classification (germline): Likely pathogenic (1 of 4 stars; one submission).

gnomAD v4.1: 1 of 1,578,562 alleles (0.000063%); highest among the groups gnomAD compares: South Asian, 0.0012%; no homozygotes.

Submission:

GeneDx
Classification: Likely pathogenic. Last evaluated: 2024-02-26. Review status: criteria provided, single submitter. Criteria: GeneDx Variant Classification Process June 2021. Collection method: clinical testing. Allele origin: germline. Affected: yes.
Comment: Not observed at significant frequency in large population cohorts (gnomAD); In silico analysis supports that this missense variant has a deleterious effect on protein structure/function; Has not been previously published as pathogenic or benign to our knowledge